The following is an entry in ClinVar:

ClinVar aggregate classification (germline): Uncertain significance (1 of 4 stars; one submission).

Allele frequency attached by ClinVar (database versions not stated): gnomAD 0.00001; gnomAD exomes 0.00001; TOPMed 0.00001; ExAC 0.00004.
gnomAD v4.1: 7 of 1,202,066 alleles (0.00058%); highest among the groups gnomAD compares: Non-Finnish European, 0.00079%; no homozygotes.

Submission:

GeneDx
Classification: Uncertain significance. Last evaluated: 2023-03-10. Review status: criteria provided, single submitter. Criteria: GeneDx Variant Classification Process June 2021. Collection method: clinical testing. Allele origin: germline. Affected: yes.
Comment: In silico analysis supports that this missense variant does not alter protein structure/function; Has not been previously published as pathogenic or benign to our knowledge

NM_004606.5(TAF1):c.5348A>G (p.Tyr1783Cys)

Gene: TAF1 (TATA-box binding protein associated factor 1; plus strand). Cytogenetic location: Xq13.1.
Variant type: single nucleotide variant.
Coding change: c.5348A>G on transcript NM_004606.5 (MANE Select); coding-DNA position 5348, A replaced by G.
Protein change: p.Tyr1783Cys; replaces tyrosine 1783 with cysteine.
Molecular consequence: missense variant. On other transcripts: non-coding transcript variant (9).
Genome position (GRCh38, 1-based): chrX:71,460,752, A>G. VCF-style: chrX-71460752-A-G. GRCh37 (hg19) VCF-style: chrX-70680602-A-G.
Other names: c.5354A>G, p.Tyr1785Cys (NM_001286074.2); c.5285A>G, p.Tyr1762Cys (NM_138923.4); short protein forms Y1762C, Y1783C, Y1785C.
Identifiers: ClinVar variation 2443590 (VCV002443590.1), dbSNP rs775654131, ClinGen allele CA10447382.